The following is an entry in ClinVar:

NM_020442.6(VARS2):c.283+3A>G

Gene: VARS2 (valyl-tRNA synthetase 2, mitochondrial; plus strand). Cytogenetic location: 6p21.33.
Variant type: single nucleotide variant.
Coding change: c.283+3A>G on transcript NM_020442.6 (MANE Select); 3 bases into the intron after coding-DNA position 283, A replaced by G.
Molecular consequence: intron variant.
Genome position (GRCh38, 1-based): chr6:30,915,240, A>G. VCF-style: chr6-30915240-A-G. GRCh37 (hg19) VCF-style: chr6-30883017-A-G.
Other names: c.373+3A>G (NM_001167734.2); c.-138+3A>G (NM_001167733.3).
Identifiers: ClinVar variation 516755 (VCV000516755.8), dbSNP rs367960344, ClinGen allele CA3705539.

ClinVar aggregate classification (germline): Conflicting classifications of pathogenicity. Review status: criteria provided, conflicting classifications (1 of 4 stars). 2 submissions from 2 submitters: Uncertain significance (1); Likely benign (1). Last evaluated 2023-11-27.

Allele frequency attached by ClinVar (database versions not stated): ESP Exome Variant Server 0.00008; gnomAD 0.00009; TOPMed 0.00009; ExAC 0.00014; gnomAD exomes 0.00014 and 0.00019.
gnomAD v4.1: 300 of 1,613,890 alleles (0.019%); highest among the groups gnomAD compares: Non-Finnish European, 0.023%; 1 homozygote.

Submissions (2):

Labcorp Genetics (formerly Invitae), Labcorp
Classification: Uncertain significance. Last evaluated: 2023-11-27. Review status: criteria provided, single submitter. Criteria: Invitae Variant Classification Sherloc (09022015). Collection method: clinical testing. Allele origin: germline.
Comment: This sequence change falls in intron 3 of the VARS2 gene. It does not directly change the encoded amino acid sequence of the VARS2 protein. It affects a nucleotide within the consensus splice site. This variant is present in population databases (rs367960344, gnomAD 0.03%). This variant has not been reported in the literature in individuals affected with VARS2-related conditions. ClinVar contains an entry for this variant (Variation ID: 516755). Variants that disrupt the consensus splice site are a relatively common cause of aberrant splicing (PMID: 17576681, 9536098). Algorithms developed to predict the effect of sequence changes on RNA splicing suggest that this variant is not likely to affect RNA splicing. In summary, the available evidence is currently insufficient to determine the role of this variant in disease. Therefore, it has been classified as a Variant of Uncertain Significance.

GeneDx
Classification: Likely benign. Last evaluated: 2019-12-11. Review status: criteria provided, single submitter. Criteria: GeneDx Variant Classification Process June 2021. Collection method: clinical testing. Allele origin: germline. Affected: yes.

Literature cited by the submitters: PubMed 17576681 (cited by Labcorp Genetics (formerly Invitae), Labcorp); PubMed 9536098 (cited by Labcorp Genetics (formerly Invitae), Labcorp).